The following is an entry in ClinVar:

NM_003849.4(SUCLG1):c.590-7C>T

Gene: SUCLG1 (succinate-CoA ligase GDP/ADP-forming subunit alpha; minus strand). Cytogenetic location: 2p11.2.
Variant type: single nucleotide variant.
Coding change: c.590-7C>T on transcript NM_003849.4 (MANE Select); 7 bases into the intron before coding-DNA position 590, C replaced by T.
Molecular consequence: intron variant.
Genome position (GRCh38, 1-based): chr2:84,433,442, G>A on the plus strand (C>T on the coding strand, the complement: SUCLG1 is on the minus strand). VCF-style: chr2-84433442-G-A. GRCh37 (hg19) VCF-style: chr2-84660566-G-A.
Identifiers: ClinVar variation 386358 (VCV000386358.37), dbSNP rs537348295, ClinGen allele CA1736246.

ClinVar aggregate classification (germline): Benign/Likely benign. Review status: criteria provided, multiple submitters, no conflicts (2 of 4 stars). 4 submissions from 4 submitters: Benign (1); Likely benign (3). Last evaluated 2025-11-03.

Conditions:
Mitochondrial DNA depletion syndrome 9 (MTDPS9). Also called: SUCLG1-Related Mitochondrial DNA Depletion Syndrome, Encephalomyopathic Form with Methylmalonic Aciduria. Identifiers: Orphanet 17, MedGen C3151476, MONDO:0009504, OMIM 245400.

Allele frequency attached by ClinVar (database versions not stated): gnomAD 0.00013 and 0.00005; gnomAD exomes 0.00023 and 0.00049; ExAC 0.00055; 1000 Genomes Project 30x 0.00062; 1000 Genomes Project 0.00080; TOPMed 0.00005.
gnomAD v4.1: 356 of 1,612,338 alleles (0.022%); highest among the groups gnomAD compares: South Asian, 0.32%; 2 homozygotes.

Submissions (4):

Labcorp Genetics (formerly Invitae), Labcorp
Classification: Benign for Mitochondrial DNA depletion syndrome 9. Last evaluated: 2025-11-03. Review status: criteria provided, single submitter. Criteria: Invitae Variant Classification Sherloc (09022015). Collection method: clinical testing. Allele origin: germline.

Blueprint Genetics
Classification: Likely benign. Last evaluated: 2024-11-26. Review status: criteria provided, single submitter. Criteria: ACMG Guidelines, 2015. Collection method: clinical testing. Allele origin: germline.

CeGaT Center for Human Genetics Tuebingen
Classification: Likely benign. Last evaluated: 2023-10-01. Review status: criteria provided, single submitter. Criteria: CeGaT Center For Human Genetics Tuebingen Variant Classification Criteria Version 2. Collection method: clinical testing. Allele origin: germline. Affected: yes. Observed: 1 variant allele.
Comment: SUCLG1: BP4

GeneDx
Classification: Likely benign. Last evaluated: 2020-12-09. Review status: criteria provided, single submitter. Criteria: GeneDx Variant Classification Process June 2021. Collection method: clinical testing. Allele origin: germline. Affected: yes.